The following is an entry in ClinVar:

Single allele

Variant type: Deletion.
Identifiers: ClinVar variation 559470 (VCV000559470.3).

ClinVar aggregate classification (germline): Likely pathogenic (1 of 4 stars; one submission).

Submission:

Geisinger Autism and Developmental Medicine Institute, Geisinger Health System
Classification: Likely pathogenic. Last evaluated: 2018-03-22. Review status: criteria provided, single submitter. Criteria: ACMG CNV Guidelines, 2011. Collection method: provider interpretation. Allele origin: unknown.
Comment: This deletion includes the distal portion of the common 22q11.21 region, but does not include the TBX1 gene and is proximal to BCR. Similar deletions have been reported in individuals with a number of features including growth restriction, developmental delay, intellectual disability, language delay, and dysmorphic features (Burnside 2015; Rauch et al. 2005).

Literature cited by the submitters: PubMed 15831592; PubMed 26278718.